The following is an entry in ClinVar:

ClinVar aggregate classification (germline): Pathogenic/Likely pathogenic. Review status: criteria provided, multiple submitters, no conflicts (2 of 4 stars). 5 submissions from 5 submitters: Pathogenic (1); Likely pathogenic (3). 1 of the submissions does not count toward it. Last evaluated 2026-06-17.

Conditions:
TRMT1-related disorder. Also called: TRMT1-related condition.

Allele frequency attached by ClinVar (database versions not stated): gnomAD exomes below 0.00001.
gnomAD v4.1: 8 of 1,614,086 alleles (0.0005%); highest among the groups gnomAD compares: South Asian, 0.0022%; no homozygotes.

Submissions (5):

PreventionGenetics, part of Exact Sciences
Classification: Likely pathogenic for TRMT1-related condition. Last evaluated: 2026-06-17. Review status: criteria provided, single submitter. Criteria: ACMG Guidelines, 2015. Collection method: clinical testing. Allele origin: germline.
Comment: The TRMT1 c.1168C>T variant is predicted to result in premature protein termination (p.Arg390*). To our knowledge, this variant has not been reported in the literature or in a large population database (gnomAD), indicating this variant is rare. Nonsense variants in TRMT1 are expected to be pathogenic. This variant is interpreted as likely pathogenic.

GeneDx
Classification: Likely pathogenic. Last evaluated: 2025-03-11. Review status: criteria provided, single submitter. Criteria: GeneDx Variant Classification Process June 2021. Collection method: clinical testing. Allele origin: germline.
Comment: Nonsense variant predicted to result in protein truncation or nonsense mediated decay in a gene for which loss of function is a known mechanism of disease; Not observed at significant frequency in large population cohorts (gnomAD); Has not been previously published as pathogenic or benign to our knowledge

Blueprint Genetics
Classification: Likely pathogenic for TRMT1-related disorders. Last evaluated: 2023-12-29. Review status: criteria provided, single submitter. Criteria: ACMG Guidelines, 2015. Collection method: clinical testing. Allele origin: germline. Affected: yes. Observed: 1 variant allele.

Labcorp Genetics (formerly Invitae), Labcorp
Classification: Pathogenic. Last evaluated: 2022-06-09. Review status: criteria provided, single submitter. Criteria: Invitae Variant Classification Sherloc (09022015). Collection method: clinical testing. Allele origin: germline.
Comment: For these reasons, this variant has been classified as Pathogenic. Algorithms developed to predict the effect of sequence changes on RNA splicing suggest that this variant may disrupt the consensus splice site. This variant has not been reported in the literature in individuals affected with TRMT1-related conditions. This variant is present in population databases (no rsID available, gnomAD 0.0009%). This sequence change creates a premature translational stop signal (p.Arg390*) in the TRMT1 gene. It is expected to result in an absent or disrupted protein product. Loss-of-function variants in TRMT1 are known to be pathogenic (PMID: 21937992, 26308914, 26350204).

Molecular Genetics laboratory, Necker Hospital
Classification: Likely pathogenic. Last evaluated: 2021-08-05. Review status: no assertion criteria provided. Collection method: clinical testing. Allele origin: biparental. Affected: yes. Not counted in ClinVar's aggregate classification.

Literature cited by the submitters: PubMed 21937992 (cited by Labcorp Genetics (formerly Invitae), Labcorp); PubMed 26308914 (cited by Labcorp Genetics (formerly Invitae), Labcorp); PubMed 26350204 (cited by Labcorp Genetics (formerly Invitae), Labcorp).

NM_001136035.4(TRMT1):c.1168C>T (p.Arg390Ter)

Gene: TRMT1 (tRNA methyltransferase 1; minus strand). Cytogenetic location: 19p13.13.
Variant type: single nucleotide variant.
Coding change: c.1168C>T on transcript NM_001136035.4 (MANE Select); coding-DNA position 1168, C replaced by T.
Protein change: p.Arg390Ter; replaces arginine 390 with a stop codon.
Molecular consequence: nonsense.
Genome position (GRCh38, 1-based): chr19:13,109,777, G>A on the plus strand (C>T on the coding strand, the complement: TRMT1 is on the minus strand). VCF-style: chr19-13109777-G-A. GRCh37 (hg19) VCF-style: chr19-13220591-G-A.
Other names: c.1168C>T (NM_001136035.2); c.1081C>T, p.Arg361Ter (NM_001142554.3, NM_001351760.2); c.1060C>T, p.Arg354Ter (NM_001351761.2); c.385C>T, p.Arg129Ter (NM_001351762.2); c.1168C>T, p.Arg390Ter (NM_017722.5); short protein forms R129*, R354*, R361*, R390*.
Identifiers: ClinVar variation 1804413 (VCV001804413.10), dbSNP rs1402479694, ClinGen allele CA404312663.